The following is an entry in ClinVar:

ClinVar aggregate classification (germline): Uncertain significance (1 of 4 stars; one submission).

gnomAD v4.1: 5 of 1,613,874 alleles (0.00031%); highest among the groups gnomAD compares: Non-Finnish European, 0.00042%; no homozygotes.

Submission:

Labcorp Genetics (formerly Invitae), Labcorp
Classification: Uncertain significance. Last evaluated: 2024-10-21. Review status: criteria provided, single submitter. Criteria: Invitae Variant Classification Sherloc (09022015). Collection method: clinical testing. Allele origin: germline.
Comment: This sequence change replaces proline, which is neutral and non-polar, with leucine, which is neutral and non-polar, at codon 1667 of the ARID1A protein (p.Pro1667Leu). This variant is present in population databases (rs758507020, gnomAD 0.0009%). This variant has not been reported in the literature in individuals affected with ARID1A-related conditions. Invitae Evidence Modeling of protein sequence and biophysical properties (such as structural, functional, and spatial information, amino acid conservation, physicochemical variation, residue mobility, and thermodynamic stability) indicates that this missense variant is not expected to disrupt ARID1A protein function with a negative predictive value of 80%. In summary, the available evidence is currently insufficient to determine the role of this variant in disease. Therefore, it has been classified as a Variant of Uncertain Significance.

NM_006015.6(ARID1A):c.5000C>T (p.Pro1667Leu)

Gene: ARID1A (AT-rich interaction domain 1A; plus strand). Cytogenetic location: 1p36.11.
Variant type: single nucleotide variant.
Coding change: c.5000C>T on transcript NM_006015.6 (MANE Select); coding-DNA position 5000, C replaced by T.
Protein change: p.Pro1667Leu; replaces proline 1667 with leucine.
Molecular consequence: missense variant.
Genome position (GRCh38, 1-based): chr1:26,775,583, C>T. VCF-style: chr1-26775583-C-T. GRCh37 (hg19) VCF-style: chr1-27102074-C-T.
Other names: c.4349C>T, p.Pro1450Leu (NM_139135.4); short protein forms P1450L, P1667L.
Identifiers: ClinVar variation 3674852 (VCV003674852.2).